The following is an entry in ClinVar:

NM_000540.3(RYR1):c.2251G>T (p.Val751Leu)

Gene: RYR1 (ryanodine receptor 1; plus strand). Cytogenetic location: 19q13.2.
Variant type: single nucleotide variant.
Coding change: c.2251G>T on transcript NM_000540.3 (MANE Select); coding-DNA position 2251, G replaced by T.
Protein change: p.Val751Leu; replaces valine 751 with leucine.
Molecular consequence: missense variant.
Genome position (GRCh38, 1-based): chr19:38,459,229, G>T. VCF-style: chr19-38459229-G-T. GRCh37 (hg19) VCF-style: chr19-38949869-G-T.
Other names: c.2251G>T, p.Val751Leu (NM_001042723.2); short protein forms V751L.
Identifiers: ClinVar variation 3901813 (VCV003901813.1).

ClinVar aggregate classification (germline): Uncertain significance (1 of 4 stars; one submission).

Submission:

GeneDx
Classification: Uncertain significance. Last evaluated: 2024-12-05. Review status: criteria provided, single submitter. Criteria: GeneDx Variant Classification Process June 2021. Collection method: clinical testing. Allele origin: germline. Affected: yes.
Comment: Not observed at significant frequency in large population cohorts (gnomAD); In silico analysis indicates that this missense variant does not alter protein structure/function; Has not been previously published as pathogenic or benign to our knowledge